The following is an entry in ClinVar:

ClinVar aggregate classification (germline): Uncertain significance (0 of 4 stars; one submission).

Submission:

Department of Pathology and Laboratory Medicine, Sinai Health System
Classification: Uncertain significance. Review status: no assertion criteria provided. Collection method: clinical testing. Allele origin: unknown. Affected: yes. Study: The Canadian Open Genetics Repository (COGR).
Comment: The KCNH2 p.(Val235Ala) variant is a missense substitution resulting in replacement of a Valine (Val) residue with Alanine (Ala) at codon 235.The variant was not identified in the literature nor was it identified in dbSNP, ClinVar, COGR, Cosmic, MutDB or LOVD 3.0. The variant was also not identified in the following databases: the 1000 Genomes Project, the NHLBI GO Exome Sequencing Project, the Exome Aggregation Consortium (August 8th 2016), or the Genome Aggregation Database (Feb 27, 2017). The c.704T>C variant occurs outside of the splicing consensus sequence however 3 out of 4 in silico or computational prediction software programs (SpliceSiteFinder,MaxEntScan, GeneSplicer) predict a greater than 10% difference in splicing resulting in the loss of an unannotated 5' splice site. As this splice site is not currently recognized or annotated in any KCNH2 transcript, it is unclear how or if this would affect the protein. The p.Val235 residue is conserved in mammals but not in more distantly related organisms and computational analyses (PolyPhen-2, SIFT, AlignGVGD, BLOSUM, MutationTaster) do not suggest a high likelihood of impact to the protein; however, this information is not predictive enough to rule out pathogenicity. In summary, based on the above information the clinical significance of this variant cannot be determined with certainty at this time. This variant is classified as a variant of uncertain significance.

NM_000238.4(KCNH2):c.704T>C (p.Val235Ala)

Gene: KCNH2 (potassium voltage-gated channel subfamily H member 2; minus strand). Cytogenetic location: 7q36.1.
Variant type: single nucleotide variant.
Coding change: c.704T>C on transcript NM_000238.4 (MANE Select); coding-DNA position 704, T replaced by C.
Protein change: p.Val235Ala; replaces valine 235 with alanine.
Molecular consequence: missense variant.
Genome position (GRCh38, 1-based): chr7:150,958,271, A>G on the plus strand (T>C on the coding strand, the complement: KCNH2 is on the minus strand). VCF-style: chr7-150958271-A-G. GRCh37 (hg19) VCF-style: chr7-150655359-A-G.
Other names: c.416T>C, p.Val139Ala (NM_001406753.1, NM_001406756.1); c.527T>C, p.Val176Ala (NM_001406755.1); c.404T>C, p.Val135Ala (NM_001406757.1); c.704T>C, p.Val235Ala (NM_172056.3); short protein forms V235A, V139A, V176A, V135A.
Identifiers: ClinVar variation 1049705 (VCV001049705.3), dbSNP rs1801449629, ClinGen allele CA369862774.
Genomic context (GRCh38, chr7:150,958,271, plus strand): 5'-CTGTGCGCCCGGGGCGATGGGAGCTGGCCGGGCGCGCTGCGGGGCGGAGAGCCGGGACCC[A>G]CCAGCGCACGCCGCTCCTCCGCGGGCCCGAGCCCTGCCACGTGGTTGTCCATGGCTGTCA-3'
Protein context (NP_000229.1, residues 225-245): LGPAEERRAL[Val235Ala]GPGSPPRSAP